The following is an entry in ClinVar:

NM_022436.3(ABCG5):c.403-3C>T

Gene: ABCG5 (ATP binding cassette subfamily G member 5; minus strand). Cytogenetic location: 2p21.
Variant type: single nucleotide variant.
Coding change: c.403-3C>T on transcript NM_022436.3 (MANE Select); 3 bases into the intron before coding-DNA position 403, C replaced by T.
Molecular consequence: intron variant.
Genome position (GRCh38, 1-based): chr2:43,831,870, G>A on the plus strand (C>T on the coding strand, the complement: ABCG5 is on the minus strand). VCF-style: chr2-43831870-G-A. GRCh37 (hg19) VCF-style: chr2-44059009-G-A.
Identifiers: ClinVar variation 4761016 (VCV004761016.1).

ClinVar aggregate classification (germline): Uncertain significance (1 of 4 stars; one submission).

Conditions:
Sitosterolemia (STSL). Also called: PHYTOSTEROLEMIA. Identifiers: Orphanet 2882, MedGen C0342907, MONDO:0008863.

Submission:

Labcorp Genetics (formerly Invitae), Labcorp
Classification: Uncertain significance for Sitosterolemia. Last evaluated: 2025-11-03. Review status: criteria provided, single submitter. Criteria: Invitae Variant Classification Sherloc (09022015). Collection method: clinical testing. Allele origin: germline.
Comment: This sequence change falls in intron 3 of the ABCG5 gene. It does not directly change the encoded amino acid sequence of the ABCG5 protein. It affects a nucleotide within the consensus splice site. This variant is not present in population databases (gnomAD no frequency). This variant has not been reported in the literature in individuals affected with ABCG5-related conditions. Variants that disrupt the consensus splice site are a relatively common cause of aberrant splicing (PMID: 17576681, 9536098). Algorithms developed to predict the effect of sequence changes on RNA splicing suggest that this variant is not likely to affect RNA splicing. In summary, the available evidence is currently insufficient to determine the role of this variant in disease. Therefore, it has been classified as a Variant of Uncertain Significance.

Literature cited by the submitters: PubMed 17576681; PubMed 9536098.